The following is an entry in ClinVar:

ClinVar aggregate classification (germline): Uncertain significance. Review status: criteria provided, multiple submitters, no conflicts (2 of 4 stars). 2 submissions from 2 submitters: Uncertain significance (2). Last evaluated 2025-09-25.

Conditions:
Amyotrophic lateral sclerosis type 21. Also called: VOCAL CORD AND PHARYNGEAL DYSFUNCTION WITH DISTAL MYOPATHY; MYOPATHY, DISTAL, 2. Identifiers: Orphanet 600, Orphanet 803, MedGen C3807521, MONDO:0011632, OMIM 606070.
Inborn genetic diseases. Identifiers: MedGen C0950123, MeSH D030342.

Allele frequency attached by ClinVar (database versions not stated): ExAC 0.00002; gnomAD 0.00003 and 0.00004.
gnomAD v4.1: 13 of 1,614,164 alleles (0.00081%); highest among the groups gnomAD compares: African/African-American, 0.016%; no homozygotes.

Submissions (2):

Ambry Genetics
Classification: Uncertain significance for Inborn genetic diseases. Last evaluated: 2025-09-25. Review status: criteria provided, single submitter. Criteria: Ambry Variant Classification Scheme 2023. Collection method: clinical testing. Allele origin: germline.

Labcorp Genetics (formerly Invitae), Labcorp
Classification: Uncertain significance for Amyotrophic lateral sclerosis type 21. Last evaluated: 2025-06-22. Review status: criteria provided, single submitter. Criteria: Invitae Variant Classification Sherloc (09022015). Collection method: clinical testing. Allele origin: germline.
Comment: This sequence change replaces threonine, which is neutral and polar, with alanine, which is neutral and non-polar, at codon 639 of the MATR3 protein (p.Thr639Ala). This variant is present in population databases (rs765603068, gnomAD 0.02%). This variant has not been reported in the literature in individuals affected with MATR3-related conditions. ClinVar contains an entry for this variant (Variation ID: 1417532). Invitae Evidence Modeling of protein sequence and biophysical properties (such as structural, functional, and spatial information, amino acid conservation, physicochemical variation, residue mobility, and thermodynamic stability) indicates that this missense variant is not expected to disrupt MATR3 protein function with a negative predictive value of 80%. In summary, the available evidence is currently insufficient to determine the role of this variant in disease. Therefore, it has been classified as a Variant of Uncertain Significance.

NM_018834.6(MATR3):c.1915A>G (p.Thr639Ala)

Genes: MATR3 (matrin 3; plus strand), LOC126807526 (CDK7 strongly-dependent group 2 enhancer GRCh37_chr5:138657767-138658966; plus strand). Cytogenetic location: 5q31.2.
Variant type: single nucleotide variant.
Coding change: c.1915A>G on transcript NM_018834.6 (MANE Select); coding-DNA position 1915, A replaced by G.
Protein change: p.Thr639Ala; replaces threonine 639 with alanine.
Molecular consequence: missense variant.
Genome position (GRCh38, 1-based): chr5:139,322,734, A>G. VCF-style: chr5-139322734-A-G. GRCh37 (hg19) VCF-style: chr5-138658423-A-G.
Other names: c.1915A>G, p.Thr639Ala (NM_001194954.2, NM_001194955.2, NM_199189.3); c.1051A>G, p.Thr351Ala (NM_001194956.2); c.901A>G, p.Thr301Ala (NM_001282278.2); c.1915A>G (NM_199189.2); short protein forms T639A, T301A, T351A.
Identifiers: ClinVar variation 1417532 (VCV001417532.10), dbSNP rs765603068, ClinGen allele CA3433271.